The following is an entry in ClinVar:

NM_001042492.3(NF1):c.3407G>A (p.Arg1136Gln)

Gene: NF1 (neurofibromin 1; plus strand). Cytogenetic location: 17q11.2.
Variant type: single nucleotide variant.
Coding change: c.3407G>A on transcript NM_001042492.3 (MANE Select); coding-DNA position 3407, G replaced by A.
Protein change: p.Arg1136Gln; replaces arginine 1136 with glutamine.
Molecular consequence: missense variant.
Genome position (GRCh38, 1-based): chr17:31,232,792, G>A. VCF-style: chr17-31232792-G-A. GRCh37 (hg19) VCF-style: chr17-29559810-G-A.
Other names: c.3407G>A, p.Arg1136Gln (NM_000267.4); short protein forms R1136Q.
Identifiers: ClinVar variation 570356 (VCV000570356.12), dbSNP rs868407539, ClinGen allele CA289338004.

ClinVar aggregate classification (germline): Uncertain significance. Review status: criteria provided, multiple submitters, no conflicts (2 of 4 stars). 5 submissions from 5 submitters: Uncertain significance (5). Last evaluated 2025-09-03.

Conditions:
Hereditary cancer-predisposing syndrome. Also called: Neoplastic Syndromes, Hereditary; Hereditary Cancer Syndrome; Hereditary neoplastic syndrome; Tumor predisposition. Identifiers: Orphanet 140162, MedGen C0027672, MeSH D009386, MONDO:0015356.
Neurofibromatosis, type 1 (NF1). Also called: Peripheral type neurofibromatosis; Neurofibromatosis, type I; VON RECKLINGHAUSEN DISEASE; NEUROFIBROMATOSIS, TYPE I, SOMATIC. Identifiers: Orphanet 636, MedGen C0027831, MONDO:0018975, OMIM 162200. Disease mechanism: loss of function.

gnomAD v4.1: 4 of 1,614,084 alleles (0.00025%); highest among the groups gnomAD compares: Non-Finnish European, 0.00017%; no homozygotes.

Submissions (5):

Dasa
Classification: Uncertain significance. Last evaluated: 2025-09-03. Review status: criteria provided, single submitter. Criteria: DASA Assertion Criteria. Collection method: clinical testing. Allele origin: germline.
Comment: NM_001042492.3(NF1):c.3407G>A (p.Arg1136Gln) is a missense variant that results in the substitution of arginine with glutamine. This variant is rare in population databases. The currently available literature and clinical evidence are not sufficient to establish a definitive association between this variant and the reported condition. Therefore, this variant is classified as a variant of uncertain significance.

Labcorp Genetics (formerly Invitae), Labcorp
Classification: Uncertain significance for Neurofibromatosis, type 1. Last evaluated: 2024-10-09. Review status: criteria provided, single submitter. Criteria: Invitae Variant Classification Sherloc (09022015). Collection method: clinical testing. Allele origin: germline.
Comment: This sequence change replaces arginine, which is basic and polar, with glutamine, which is neutral and polar, at codon 1136 of the NF1 protein (p.Arg1136Gln). This variant is not present in population databases (gnomAD no frequency). This variant has not been reported in the literature in individuals affected with NF1-related conditions. ClinVar contains an entry for this variant (Variation ID: 570356). Invitae Evidence Modeling of protein sequence and biophysical properties (such as structural, functional, and spatial information, amino acid conservation, physicochemical variation, residue mobility, and thermodynamic stability) has been performed for this missense variant. However, the output from this modeling did not meet the statistical confidence thresholds required to predict the impact of this variant on NF1 protein function. In summary, the available evidence is currently insufficient to determine the role of this variant in disease. Therefore, it has been classified as a Variant of Uncertain Significance.

Genome-Nilou Lab
Classification: Uncertain significance for Neurofibromatosis, type 1. Last evaluated: 2022-03-15. Review status: criteria provided, single submitter. Criteria: ACMG Guidelines, 2015. Collection method: clinical testing. Allele origin: germline. Affected: no.

Sema4
Classification: Uncertain significance for Hereditary cancer-predisposing syndrome. Last evaluated: 2021-12-20. Review status: criteria provided, single submitter. Criteria: Sema4 Curation Guidelines. Collection method: curation. Allele origin: germline.
Comment: The NF1 c.3407G>A (p.R1136Q) variant has not been reported in the literature to our knowledge. It was not observed in the large and broad cohorts of the Genome Aggregation Database. The variant has been reported in ClinVar (Variation ID 570356). Functional studies have not been performed, and in silico predictions of the variant's effect on protein function are inconclusive. The evidence is insufficient to meet ACMG/AMP criteria for classifying the variant as benign or pathogenic. Thus, the clinical significance of this variant is currently uncertain.

GeneDx
Classification: Uncertain significance. Last evaluated: 2019-12-06. Review status: criteria provided, single submitter. Criteria: GeneDx Variant Classification Process June 2021. Collection method: clinical testing. Allele origin: germline. Affected: yes.
Comment: Not observed in large population cohorts (Lek et al., 2016); In silico analysis, which includes protein predictors and evolutionary conservation, supports that this variant does not alter protein structure/function; Has not been previously published as pathogenic or benign to our knowledge